The following is an entry in ClinVar:

NM_203447.4(DOCK8):c.4957_4958del (p.Thr1653fs)

Gene: DOCK8 (dedicator of cytokinesis 8; plus strand). Cytogenetic location: 9p24.3.
Variant type: Microsatellite.
Coding change: c.4957_4958del on transcript NM_203447.4 (MANE Select); coding-DNA positions 4957 to 4958, 2 bases deleted (AC; older notation c.4957_4958delAC).
Protein change: p.Thr1653fs; shifts the reading frame from threonine 1653.
Molecular consequence: frameshift variant.
Genome position (GRCh38, 1-based): chr9:434,853-434,854, AC deleted; deleting any 2 consecutive bases within chr9:434,849-434,854 gives the same sequence; the c. name uses the placement nearest the transcript's 3' end. VCF-style (leftmost placement, unchanged base first): chr9-434848-AAC-A. GRCh37 (hg19) VCF-style: chr9-434848-AAC-A.
Other names: c.4657_4658del, p.Thr1553fs (NM_001190458.2); c.4753_4754del, p.Thr1585fs (NM_001193536.2); short protein forms T1653fs, T1553fs, T1585fs.
Identifiers: ClinVar variation 4719255 (VCV004719255.1).

ClinVar aggregate classification (germline): Pathogenic (1 of 4 stars; one submission).

Conditions:
Combined immunodeficiency due to DOCK8 deficiency (HIES2). Also called: HYPER-IgE RECURRENT INFECTION SYNDROME 2, AUTOSOMAL RECESSIVE; HIES autosomal recessive; Hyper-IgE recurrent infection syndrome, autosomal recessive; HYPER-IgE SYNDROME 2, AUTOSOMAL RECESSIVE, WITH RECURRENT INFECTIONS; DOCK8 Deficiency. Identifiers: Orphanet 217390, MedGen C4722305, MONDO:0009478, OMIM 243700.

Submission:

Labcorp Genetics (formerly Invitae), Labcorp
Classification: Pathogenic for Combined immunodeficiency due to DOCK8 deficiency. Last evaluated: 2025-08-08. Review status: criteria provided, single submitter. Criteria: Invitae Variant Classification Sherloc (09022015). Collection method: clinical testing. Allele origin: germline.
Comment: This sequence change creates a premature translational stop signal (p.Thr1653Glnfs*21) in the DOCK8 gene. It is expected to result in an absent or disrupted protein product. Loss-of-function variants in DOCK8 are known to be pathogenic (PMID: 14722525, 19776401). This variant is not present in population databases (gnomAD no frequency). This variant has not been reported in the literature in individuals affected with DOCK8-related conditions. For these reasons, this variant has been classified as Pathogenic.

Literature cited by the submitters: PubMed 14722525; PubMed 19776401.